The following is an entry in ClinVar:

ClinVar aggregate classification (germline): Uncertain significance (1 of 4 stars; one submission).

Allele frequency attached by ClinVar (database versions not stated): TOPMed 0.00001; gnomAD exomes 0.00001; ExAC 0.00001; gnomAD 0.00001.
gnomAD v4.1: 21 of 1,613,930 alleles (0.0013%); highest among the groups gnomAD compares: South Asian, 0.0033%; 1 homozygote.

Submission:

Labcorp Genetics (formerly Invitae), Labcorp
Classification: Uncertain significance. Last evaluated: 2025-08-25. Review status: criteria provided, single submitter. Criteria: Invitae Variant Classification Sherloc (09022015). Collection method: clinical testing. Allele origin: germline.
Comment: This sequence change replaces arginine, which is basic and polar, with histidine, which is basic and polar, at codon 432 of the ATR protein (p.Arg432His). This variant is present in population databases (rs753729778, gnomAD 0.0009%). This variant has not been reported in the literature in individuals affected with ATR-related conditions. ClinVar contains an entry for this variant (Variation ID: 2992182). An algorithm developed to predict the effect of missense changes on protein structure and function outputs the following: PolyPhen-2: "Benign". The histidine amino acid residue is found in multiple mammalian species, which suggests that this missense change does not adversely affect protein function. In summary, the available evidence is currently insufficient to determine the role of this variant in disease. Therefore, it has been classified as a Variant of Uncertain Significance.

NM_001184.4(ATR):c.1295G>A (p.Arg432His)

Gene: ATR (ATR checkpoint kinase; minus strand). Cytogenetic location: 3q23.
Variant type: single nucleotide variant.
Coding change: c.1295G>A on transcript NM_001184.4 (MANE Select); coding-DNA position 1295, G replaced by A.
Protein change: p.Arg432His; replaces arginine 432 with histidine.
Molecular consequence: missense variant.
Genome position (GRCh38, 1-based): chr3:142,561,297, C>T on the plus strand (G>A on the coding strand, the complement: ATR is on the minus strand). VCF-style: chr3-142561297-C-T. GRCh37 (hg19) VCF-style: chr3-142280139-C-T.
Other names: c.1295G>A, p.Arg432His (NM_001354579.2); short protein forms R432H.
Identifiers: ClinVar variation 2992182 (VCV002992182.3), dbSNP rs753729778, ClinGen allele CA2650636.